The following is an entry in ClinVar:

ClinVar aggregate classification (germline): Pathogenic/Likely pathogenic. Review status: criteria provided, multiple submitters, no conflicts (2 of 4 stars). 14 submissions from 14 submitters: Pathogenic (4); Likely pathogenic (9). 1 of the submissions does not count toward it. Last evaluated 2026-07-16.

Conditions:
Inherited phaeochromocytoma and paraganglioma excluding NF1.
Hereditary cancer-predisposing syndrome. Also called: Neoplastic Syndromes, Hereditary; Hereditary neoplastic syndrome; Hereditary Cancer Syndrome; Tumor predisposition. Identifiers: Orphanet 140162, MedGen C0027672, MeSH D009386, MONDO:0015356.
Mitochondrial complex II deficiency, nuclear type 1. Also called: SUCCINATE CoQ REDUCTASE DEFICIENCY. Identifiers: Orphanet 3208, MedGen C5700310, MONDO:0100294, OMIM 252011.
Pheochromocytoma/paraganglioma syndrome 5. Also called: Paragangliomas 5; SDHA-Related Hereditary Paraganglioma-Pheochromocytoma Syndrome. Identifiers: Orphanet 29072, MedGen C3279992, MONDO:0013602, OMIM 614165.
Gastrointestinal stromal tumor. Also called: Gastrointestinal stromal tumor, somatic; Gastrointestinal stroma tumor. Identifiers: Orphanet 44890, MedGen C0238198, MeSH D046152, MONDO:0011719, OMIM 606764, HP:0100723.
Dilated cardiomyopathy 1GG (CMD1GG). Identifiers: Orphanet 154, MedGen C3150898, MONDO:0013339, OMIM 613642.

Allele frequency attached by ClinVar (database versions not stated): gnomAD 0.00001 and 0.00002; gnomAD exomes 0.00001; TOPMed 0.00002.
gnomAD v4.1: 22 of 1,613,864 alleles (0.0014%); highest among the groups gnomAD compares: Non-Finnish European, 0.0017%; no homozygotes.

Submissions (14):

GeneDx
Classification: Likely pathogenic. Last evaluated: 2026-07-16. Review status: criteria provided, single submitter. Criteria: GeneDx Variant Classification Process June 2021. Collection method: clinical testing. Allele origin: germline.
Comment: Published functional studies suggest a damaging effect: absent SDH activity and reduced protein expression (PMID: 20484225); In silico analysis supports that this missense variant has a deleterious effect on protein structure/function; Not observed at significant frequency in large population cohorts (gnomAD); This variant is associated with the following publications: (PMID: 28798025, 23043141, 21505157, 23154507, 19628817, 34014604, 22955521, 29978154, 28546994, 25405498, 20484225, 27847310, 35059314, 39133175, 39321216, Saucedo-Rodrguez2026[preprint], 42244475, 38872860, 41118055)

NHS Central & South Genomic Laboratory Hub
Classification: Likely pathogenic for Inherited phaeochromocytoma and paraganglioma excluding NF1. Last evaluated: 2026-04-22. Review status: criteria provided, single submitter. Criteria: ACMG Guidelines, 2015. Collection method: clinical testing. Allele origin: germline. Affected: yes.

Labcorp Genetics (formerly Invitae), Labcorp
Classification: Pathogenic for Pheochromocytoma/paraganglioma syndrome 5; Mitochondrial complex II deficiency, nuclear type 1. Last evaluated: 2026-01-13. Review status: criteria provided, single submitter. Criteria: Invitae Variant Classification Sherloc (09022015). Collection method: clinical testing. Allele origin: germline.
Comment: This sequence change replaces arginine, which is basic and polar, with tryptophan, which is neutral and slightly polar, at codon 589 of the SDHA protein (p.Arg589Trp). This variant is present in population databases (rs387906780, gnomAD 0.007%). This missense change has been observed in individuals with paraganglioma or gastrointestinal stromal tumors (PMID: 20484225, 22955521, 25405498, 28546994). ClinVar contains an entry for this variant (Variation ID: 30132). Invitae Evidence Modeling of protein sequence and biophysical properties (such as structural, functional, and spatial information, amino acid conservation, physicochemical variation, residue mobility, and thermodynamic stability) indicates that this missense variant is expected to disrupt SDHA protein function with a positive predictive value of 80%. Experimental studies have shown that this missense change affects SDHA function (PMID: 20484225, 21505157, 23043141). This variant disrupts the p.Arg589 amino acid residue in SDHA. Other variant(s) that disrupt this residue have been observed in individuals with SDHA-related conditions (PMID: 23612575, 28546994), which suggests that this may be a clinically significant amino acid residue. For these reasons, this variant has been classified as Pathogenic.

Ambry Genetics
Classification: Pathogenic for Hereditary cancer-predisposing syndrome. Last evaluated: 2025-08-20. Review status: criteria provided, single submitter. Criteria: Ambry Variant Classification Scheme 2023. Collection method: clinical testing. Allele origin: germline.
Comment: The p.R589W pathogenic mutation (also known as c.1765C>T), located in coding exon 13 of the SDHA gene, results from a C to T substitution at nucleotide position 1765. The arginine at codon 589 is replaced by tryptophan, an amino acid with dissimilar properties. This mutation has been detected in individuals with paraganglioma or gastrointestinal stromal tumor (Burnichon N et al. Hum. Mol. Genet., 2010 Aug;19:3011-20; Casey RT et al. Mol Genet Genomic Med, 2017 May;5:237-250; Ambry internal data). This alteration was also reported in gastrointestinal stromal tumor tissues (Pantaleo MA et al. J. Natl. Cancer Inst., 2011 Jun;103:983-7; Wagner AJ et al. Mod. Pathol., 2013 Feb;26:289-94). Several functional studies indicate that this mutation impairs succinate dehydrogenase activity and likely interferes with SDHAF2 binding which is essential for FAD insertion into SDHA (Hao HX et al. Science, 2009 Aug;325:1139-42; Burnichon N et al. Hum. Mol. Genet., 2010 Aug;19:3011-20; Kim HJ et al. J. Biol. Chem., 2012 Nov;287:40670-9; Huang S et al. Plant Signal Behav, 2013 Feb;8:e22815; Lorendeau D et al. Metab. Eng., 2017 09;43:187-197). In addition, this alteration is predicted to be deleterious by in silico analysis. Based on the supporting evidence, this alteration is interpreted as a disease-causing mutation.

Quest Diagnostics Nichols Institute San Juan Capistrano
Classification: Likely pathogenic. Last evaluated: 2025-03-26. Review status: criteria provided, single submitter. Criteria: Quest Diagnostics criteria. Collection method: clinical testing. Allele origin: unknown.
Comment: The SDHA c.1765C>T (p.Arg589Trp) variant has been reported in the germline and somatic states in individuals with gastrointestinal stromal tumors (GIST) (PMIDs: 28546994 (2017), 23612575 (2014), 22955521 (2013)) paraganglioma (PMIDs: 25405498 (2015), 20484225 (2010)), and left ventricular hypertrabeculation (LVHT) (PMID: 28798025 (2017)). In functional studies, this variant was demonstrated to cause a loss of SDH enzyme activity (PMIDs: 27847310 (2017), 23043141 (2012), 20484225 (2010)). The frequency of this variant in the general population (Genome Aggregation Database) is uninformative in the assessment of its pathogenicity. Analysis of this variant using bioinformatics tools for the prediction of the effect of amino acid changes on protein structure and function yielded predictions that this variant is damaging. Based on the available information, this variant is classified as likely pathogenic.

Molecular Pathology, Peter Maccallum Cancer Centre
Classification: Likely pathogenic for Pheochromocytoma/paraganglioma syndrome 5. Last evaluated: 2024-07-18. Review status: criteria provided, single submitter. Criteria: ACMG Guidelines, 2015. Collection method: clinical testing. Allele origin: germline. Inheritance: Autosomal dominant inheritance.

Baylor Genetics
Classification: Pathogenic for Dilated cardiomyopathy 1GG. Last evaluated: 2024-02-26. Review status: criteria provided, single submitter. Criteria: ACMG Guidelines, 2015. Collection method: clinical testing. Allele origin: unknown.

Myriad Genetics, Inc.
Classification: Likely pathogenic for Pheochromocytoma/paraganglioma syndrome 5. Last evaluated: 2024-02-08. Review status: criteria provided, single submitter. Criteria: Myriad Autosomal Dominant, Autosomal Recessive and X-Linked Classification Criteria (2023). Collection method: clinical testing. Allele origin: unknown.
Comment: This variant is considered likely pathogenic. Functional studies indicate this variant impacts protein function [PMID: 27847310]. This variant has been reported in multiple individuals with clinical features of gene-specific disease [PMID: 20484225, 28070496, 30949620].

Institute for Genomic Medicine (IGM) Clinical Laboratory, Nationwide Children's Hospital
Classification: Likely pathogenic for Pheochromocytoma/paraganglioma syndrome 5. Last evaluated: 2024-01-10. Review status: criteria provided, single submitter. Criteria: ACMG Guidelines, 2015. Collection method: clinical testing. Allele origin: germline.
Comment: Well-established functional studies have demonstrated this variant to have a damaging effect on protein function or splicing (ACMG/AMP: PS3; PMIDs:20484225, 21505157, 22955521, 23043141). This variant has been reported at an elevated frequency in affected individuals/in multiple affected individuals in the literature (ACMG/AMP: PS4_Moderate; PMIDs:20484225, 21505157, 22955521, 25405498, 28546994). This variant is absent from or present at an exceedingly low frequency in gnomAD, a large-scale control population database (ACMG/AMP: PM2). This variant is predicted to alter protein function or structure, or disrupt splicing by multiple in silico tools (ACMG/AMP: PP3).

CeGaT Center for Human Genetics Tuebingen
Classification: Likely pathogenic. Last evaluated: 2023-11-01. Review status: criteria provided, single submitter. Criteria: CeGaT Center For Human Genetics Tuebingen Variant Classification Criteria Version 2. Collection method: clinical testing. Allele origin: germline. Affected: yes. Observed: 1 variant allele.
Comment: SDHA: PS3, PM1, PM5, PP3, BP1

KCCC/NGS Laboratory, Kuwait Cancer Control Center
Classification: Pathogenic for Pheochromocytoma/paraganglioma syndrome 5. Last evaluated: 2023-09-13. Review status: criteria provided, single submitter. Criteria: ACMG Guidelines, 2015. Collection method: clinical testing. Allele origin: germline. Inheritance: Autosomal dominant inheritance. Affected: yes. Observed: 1 heterozygote.
Comment: This variant is present in population databases (rs387906780, gnomAD 0.007%). This missense change has been observed in individuals with paraganglioma or gastrointestinal stromal tumors (PMID: 20484225, 22955521, 25405498, 28546994). ClinVar contains an entry for this variant (Variation ID: 30132). Experimental studies have shown that this missense change affects SDHA function (PMID: 20484225, 21505157, 23043141). This variant disrupts the p.Arg589 amino acid residue in SDHA. Other variant(s) that disrupt this residue have been observed in individuals with SDHA-related conditions (PMID: 23612575, 28546994), which suggests that this may be a clinically significant amino acid residue. Therefore, this variant has been classified as Pathogenic.

“Giorgio Prodi” Cancer Research Center, University of Bologna
Classification: Likely pathogenic for Gastrointestinal stromal tumor. Last evaluated: 2021-10-01. Review status: criteria provided, single submitter. Criteria: ACMG Guidelines, 2015. Collection method: research. Allele origin: somatic. Affected: yes. Observed: 1 variant allele.

Juno Genomics, Hangzhou Juno Genomics, Inc
Classification: Likely pathogenic for Pheochromocytoma/paraganglioma syndrome 5. Review status: criteria provided, single submitter. Criteria: ACMG Guidelines, 2015. Collection method: clinical testing. Allele origin: germline.
Comment: Absent from controls (or at extremely low frequency if recessive) in Genome Aggregation Database.;The prevalence of the variant in affected individuals is significantly increased compared to the prevalence in controls.;Patient's phenotype or family history is highly specific for a disease with a single genetic etiology.;Well-established in vitro or in vivo functional studies supportive of a damaging effect on the gene or gene product.

OMIM
Classification: Pathogenic for PHEOCHROMOCYTOMA/PARAGANGLIOMA SYNDROME 5. Last evaluated: 2010-08-01. Review status: no assertion criteria provided. Collection method: literature only. Allele origin: germline. Not counted in ClinVar's aggregate classification.

Literature cited by the submitters: PubMed 20484225 (cited by 6 submitters); PubMed 22955521 (cited by 4 submitters); PubMed 25405498 (cited by 3 submitters); PubMed 28546994 (cited by 4 submitters); PubMed 21505157 (cited by 5 submitters); PubMed 23043141 (cited by 4 submitters); PubMed 23612575 (cited by 4 submitters); PubMed 19628817 (cited by Ambry Genetics); PubMed 23154507 (cited by Ambry Genetics and Quest Diagnostics Nichols Institute San Juan Capistrano); PubMed 27847310 (cited by 3 submitters); PubMed 22517557 (cited by Quest Diagnostics Nichols Institute San Juan Capistrano); PubMed 28798025 (cited by Quest Diagnostics Nichols Institute San Juan Capistrano); PubMed 28070496 (cited by Myriad Genetics, Inc.); PubMed 30949620 (cited by Myriad Genetics, Inc.).

NM_004168.4(SDHA):c.1765C>T (p.Arg589Trp)

Gene: SDHA (succinate dehydrogenase complex flavoprotein subunit A; plus strand). Cytogenetic location: 5p15.33.
Variant type: single nucleotide variant.
Coding change: c.1765C>T on transcript NM_004168.4 (MANE Select); coding-DNA position 1765, C replaced by T.
Protein change: p.Arg589Trp; replaces arginine 589 with tryptophan.
Molecular consequence: missense variant. On other transcripts: intron variant (1).
Genome position (GRCh38, 1-based): chr5:251,439, C>T. VCF-style: chr5-251439-C-T. GRCh37 (hg19) VCF-style: chr5-251554-C-T.
Other names: c.1621C>T, p.Arg541Trp (NM_001294332.2); c.1552-2954C>T (NM_001330758.2); short protein forms R589W, R541W.
Identifiers: ClinVar variation 30132 (VCV000030132.55), dbSNP rs387906780, ClinGen allele CA342723.